The following is an entry in ClinVar:

NM_004360.5(CDH1):c.654G>A (p.Glu218=)

Gene: CDH1 (cadherin 1; plus strand). Cytogenetic location: 16q22.1.
Variant type: single nucleotide variant.
Coding change: c.654G>A on transcript NM_004360.5 (MANE Select); coding-DNA position 654, G replaced by A.
Protein change: p.Glu218=; no amino-acid change (glutamic acid 218 retained).
Molecular consequence: synonymous variant. On other transcripts: 5 prime UTR variant (2).
Genome position (GRCh38, 1-based): chr16:68,808,815, G>A. VCF-style: chr16-68808815-G-A. GRCh37 (hg19) VCF-style: chr16-68842718-G-A.
Other names: c.654G>A, p.Glu218= (NM_001317184.2); c.-962G>A (NM_001317185.2); c.-1166G>A (NM_001317186.2).
Identifiers: ClinVar variation 2494023 (VCV002494023.6), dbSNP rs1356763082, ClinGen allele CA496392418.

ClinVar aggregate classification (germline): Benign/Likely benign. Review status: criteria provided, multiple submitters, no conflicts (2 of 4 stars). 3 submissions from 3 submitters: Benign (1); Likely benign (2). Last evaluated 2024-09-13.

Conditions:
Hereditary diffuse gastric adenocarcinoma (HDGC). Also called: DIFFUSE GASTRIC AND LOBULAR BREAST CANCER SYNDROME. Identifiers: Orphanet 26106, MedGen C1708349, MONDO:0007648, OMIM 137215.
Hereditary cancer-predisposing syndrome. Also called: Tumor predisposition; Hereditary neoplastic syndrome; Neoplastic Syndromes, Hereditary; Hereditary Cancer Syndrome. Identifiers: Orphanet 140162, MedGen C0027672, MeSH D009386, MONDO:0015356.

Allele frequency attached by ClinVar (database versions not stated): TOPMed below 0.00001.

Submissions (3):

Myriad Genetics, Inc.
Classification: Benign for Hereditary diffuse gastric adenocarcinoma. Last evaluated: 2024-09-13. Review status: criteria provided, single submitter. Criteria: Myriad Autosomal Dominant, Autosomal Recessive and X-Linked Classification Criteria (2023). Collection method: clinical testing. Allele origin: unknown.
Comment: This variant is considered benign. This variant is a silent/synonymous amino acid change and it is not expected to impact splicing.

Labcorp Genetics (formerly Invitae), Labcorp
Classification: Likely benign for Hereditary diffuse gastric adenocarcinoma. Last evaluated: 2024-06-17. Review status: criteria provided, single submitter. Criteria: Invitae Variant Classification Sherloc (09022015). Collection method: clinical testing. Allele origin: germline.

Ambry Genetics
Classification: Likely benign for Hereditary cancer-predisposing syndrome. Last evaluated: 2022-12-18. Review status: criteria provided, single submitter. Criteria: Ambry Variant Classification Scheme 2023. Collection method: clinical testing. Allele origin: germline.